The following is an entry in ClinVar:

NM_031263.4(HNRNPK):c.1370A>G (p.Gln457Arg)

Gene: HNRNPK (heterogeneous nuclear ribonucleoprotein K; minus strand). Cytogenetic location: 9q21.32.
Variant type: single nucleotide variant.
Coding change: c.1370A>G on transcript NM_031263.4 (MANE Select); coding-DNA position 1370, A replaced by G.
Protein change: p.Gln457Arg; replaces glutamine 457 with arginine.
Molecular consequence: missense variant. On other transcripts: intron variant (3).
Genome position (GRCh38, 1-based): chr9:83,969,432, T>C on the plus strand (A>G on the coding strand, the complement: HNRNPK is on the minus strand). VCF-style: chr9-83969432-T-C. GRCh37 (hg19) VCF-style: chr9-86584347-T-C.
Other names: c.1298A>G, p.Gln433Arg (NM_001318187.2); c.1370A>G, p.Gln457Arg (NM_002140.5); c.1362-52A>G (NM_031262.4, NM_001318188.2); c.1290-52A>G (NM_001318186.2); short protein forms Q433R, Q457R.
Identifiers: ClinVar variation 1801888 (VCV001801888.1), dbSNP rs2491943486, ClinGen allele CA373917436.

ClinVar aggregate classification (germline): Uncertain significance (1 of 4 stars; one submission).

Submission:

GeneDx
Classification: Uncertain significance. Last evaluated: 2022-06-10. Review status: criteria provided, single submitter. Criteria: GeneDx Variant Classification Process June 2021. Collection method: clinical testing. Allele origin: germline. Affected: yes.
Comment: Not observed at significant frequency in large population cohorts (gnomAD); In silico analysis supports that this missense variant does not alter protein structure/function; Has not been previously published as pathogenic or benign to our knowledge